The following is an entry in ClinVar:

NM_001041.4(SI):c.4086C>G (p.Phe1362Leu)

Gene: SI (sucrase-isomaltase; minus strand). Cytogenetic location: 3q26.1.
Variant type: single nucleotide variant.
Coding change: c.4086C>G on transcript NM_001041.4 (MANE Select); coding-DNA position 4086, C replaced by G.
Protein change: p.Phe1362Leu; replaces phenylalanine 1362 with leucine.
Molecular consequence: missense variant.
Genome position (GRCh38, 1-based): chr3:165,009,372, G>C on the plus strand (C>G on the coding strand, the complement: SI is on the minus strand). VCF-style: chr3-165009372-G-C. GRCh37 (hg19) VCF-style: chr3-164727160-G-C.
Other names: short protein forms F1362L.
Identifiers: ClinVar variation 1399881 (VCV001399881.6), dbSNP rs2108159676, ClinGen allele CA355033909.

ClinVar aggregate classification (germline): Uncertain significance (1 of 4 stars; one submission).

Submission:

Labcorp Genetics (formerly Invitae), Labcorp
Classification: Uncertain significance. Last evaluated: 2022-03-07. Review status: criteria provided, single submitter. Criteria: Invitae Variant Classification Sherloc (09022015). Collection method: clinical testing. Allele origin: germline.
Comment: Advanced modeling of protein sequence and biophysical properties (such as structural, functional, and spatial information, amino acid conservation, physicochemical variation, residue mobility, and thermodynamic stability) performed at Invitae indicates that this missense variant is expected to disrupt SI protein function. This variant has not been reported in the literature in individuals affected with SI-related conditions. This variant is not present in population databases (gnomAD no frequency). This sequence change replaces phenylalanine, which is neutral and non-polar, with leucine, which is neutral and non-polar, at codon 1362 of the SI protein (p.Phe1362Leu). In summary, the available evidence is currently insufficient to determine the role of this variant in disease. Therefore, it has been classified as a Variant of Uncertain Significance.